The following is an entry in ClinVar:

NM_024675.4(PALB2):c.2512C>T (p.Gln838Ter)

Gene: PALB2 (partner and localizer of BRCA2; minus strand). Cytogenetic location: 16p12.2.
Variant type: single nucleotide variant.
Coding change: c.2512C>T on transcript NM_024675.4 (MANE Select); coding-DNA position 2512, C replaced by T.
Protein change: p.Gln838Ter; replaces glutamine 838 with a stop codon.
Molecular consequence: nonsense.
Genome position (GRCh38, 1-based): chr16:23,629,642, G>A on the plus strand (C>T on the coding strand, the complement: PALB2 is on the minus strand). VCF-style: chr16-23629642-G-A. GRCh37 (hg19) VCF-style: chr16-23640963-G-A.
Other names: short protein forms Q838*.
Identifiers: ClinVar variation 484190 (VCV000484190.27), dbSNP rs750650768, ClinGen allele CA395123923.

ClinVar aggregate classification (germline): Pathogenic/Likely pathogenic. Review status: criteria provided, multiple submitters, no conflicts (2 of 4 stars). 8 submissions from 8 submitters: Pathogenic (5); Likely pathogenic (3). Last evaluated 2026-01-28.

Conditions:
Hereditary breast ovarian cancer syndrome. Also called: Hereditary breast and/or ovarian cancer syndrome; Hereditary breast and ovarian cancer syndrome; Hereditary breast and ovarian cancer; Hereditary breast and ovarian cancer syndrome (HBOC); Breast and ovarian cancer; BRCA1- and BRCA2-Associated Hereditary Breast and Ovarian Cancer. Identifiers: Orphanet 145, MedGen C0677776, MeSH D061325, MONDO:0003582. Disease mechanism: loss of function.
Hereditary cancer-predisposing syndrome. Also called: Tumor predisposition; Hereditary Cancer Syndrome; Neoplastic Syndromes, Hereditary; Hereditary neoplastic syndrome. Identifiers: Orphanet 140162, MedGen C0027672, MeSH D009386, MONDO:0015356.
Familial cancer of breast. Also called: Hereditary breast cancer; BREAST CANCER, FAMILIAL; hereditary breast carcinoma. Identifiers: Orphanet 227535, MedGen C0346153, MONDO:0016419, OMIM 114480. Disease mechanism: loss of function.

Submissions (8):

Ambry Genetics
Classification: Pathogenic for Hereditary cancer-predisposing syndrome. Last evaluated: 2026-01-28. Review status: criteria provided, single submitter. Criteria: Ambry Variant Classification Scheme 2023. Collection method: clinical testing. Allele origin: germline.
Comment: The p.Q838* pathogenic mutation (also known as c.2512C>T), located in coding exon 5 of the PALB2 gene, results from a C to T substitution at nucleotide position 2512. This changes the amino acid from a glutamine to a stop codon within coding exon 5. This alteration is expected to result in loss of function by premature protein truncation or nonsense-mediated mRNA decay. As such, this alteration is interpreted as a disease-causing mutation.

Quest Diagnostics Nichols Institute San Juan Capistrano
Classification: Likely pathogenic. Last evaluated: 2025-07-25. Review status: criteria provided, single submitter. Criteria: Quest Diagnostics criteria. Collection method: clinical testing. Allele origin: unknown.
Comment: The PALB2 c.2512C>T (p.Gln838*) variant is predicted to cause the premature termination of PALB2 protein synthesis. This variant has not been reported in individuals with PALB2-related conditions in the published literature. This variant has not been reported in large, multi-ethnic general populations (Genome Aggregation Database). Based on the available information, this variant is classified as likely pathogenic.

ARUP Laboratories, Molecular Genetics and Genomics, ARUP Laboratories
Classification: Pathogenic. Last evaluated: 2025-03-17. Review status: criteria provided, single submitter. Criteria: ARUP Molecular Germline Variant Investigation Process 2024. Collection method: clinical testing. Allele origin: germline.
Comment: The PALB2 c.2512C>T; p.Gln838Ter variant (rs750650768), to our knowledge, is not reported in the medical literature but is reported in ClinVar (Variation ID: 484190). This variant is also absent from the Genome Aggregation Database (v2.1.1), indicating it is not a common polymorphism. This variant induces an early termination codon and is predicted to result in a truncated protein or mRNA subject to nonsense-mediated decay. Based on available information, this variant is considered to be pathogenic.

Labcorp Genetics (formerly Invitae), Labcorp
Classification: Pathogenic for Familial cancer of breast. Last evaluated: 2025-01-23. Review status: criteria provided, single submitter. Criteria: Invitae Variant Classification Sherloc (09022015). Collection method: clinical testing. Allele origin: germline.
Comment: This sequence change creates a premature translational stop signal (p.Gln838*) in the PALB2 gene. It is expected to result in an absent or disrupted protein product. Loss-of-function variants in PALB2 are known to be pathogenic (PMID: 17200668, 17200671, 17200672, 24136930, 25099575). This variant is not present in population databases (gnomAD no frequency). This variant has not been reported in the literature in individuals affected with PALB2-related conditions. ClinVar contains an entry for this variant (Variation ID: 484190). RNA analysis performed to evaluate the impact of this premature translational stop signal on mRNA splicing indicates it does not significantly alter splicing (internal data). For these reasons, this variant has been classified as Pathogenic.

Color Diagnostics, LLC DBA Color Health
Classification: Pathogenic for Hereditary cancer-predisposing syndrome. Last evaluated: 2024-11-25. Review status: criteria provided, single submitter. Criteria: ACMG Guidelines, 2015. Collection method: clinical testing. Allele origin: germline.
Comment: This variant changes 1 nucleotide in exon 5 of the PALB2 gene, creating a premature translation stop signal. This variant is expected to result in an absent or non-functional protein product. This variant has not been reported in individuals affected with hereditary cancer in the literature. This variant has not been identified in the general population by the Genome Aggregation Database (gnomAD). Loss of PALB2 function is a known mechanism of disease. Based on the available evidence, this variant is classified as Pathogenic.

Myriad Genetics, Inc.
Classification: Pathogenic for Familial cancer of breast. Last evaluated: 2023-09-13. Review status: criteria provided, single submitter. Criteria: Myriad Autosomal Dominant, Autosomal Recessive and X-Linked Classification Criteria (2023). Collection method: clinical testing. Allele origin: unknown.
Comment: This variant is considered pathogenic. This variant creates a termination codon and is predicted to result in premature protein truncation.

Baylor Genetics
Classification: Likely pathogenic for Familial cancer of breast. Last evaluated: 2022-11-12. Review status: criteria provided, single submitter. Criteria: ACMG Guidelines, 2015. Collection method: clinical testing. Allele origin: unknown.

Women's Health and Genetics/Laboratory Corporation of America, LabCorp
Classification: Likely pathogenic for Hereditary breast ovarian cancer syndrome. Last evaluated: 2021-07-19. Review status: criteria provided, single submitter. Criteria: LabCorp Variant Classification Summary - May 2015. Collection method: clinical testing. Allele origin: germline.
Comment: Variant summary: PALB2 c.2512C>T (p.Gln838X) results in a premature termination codon, predicted to cause a truncation of the encoded protein or absence of the protein due to nonsense mediated decay, which are commonly known mechanisms for disease. Truncations downstream of this position have been classified as pathogenic by our laboratory. The variant was absent in 250478 control chromosomes. To our knowledge, no occurrence of c.2512C>T in individuals affected with Hereditary Breast And Ovarian Cancer Syndrome and no experimental evidence demonstrating its impact on protein function have been reported. Three clinical diagnostic laboratories have submitted clinical-significance assessments for this variant to ClinVar after 2014 without evidence for independent evaluation. All laboratories classified the variant as pathogenic citing overlapping evidence criteria utilized in the context of this evaluation. Based on the evidence outlined above, the variant was classified as likely pathogenic.

Literature cited by the submitters: PubMed 17200668 (cited by Labcorp Genetics (formerly Invitae), Labcorp); PubMed 17200671 (cited by Labcorp Genetics (formerly Invitae), Labcorp); PubMed 17200672 (cited by Labcorp Genetics (formerly Invitae), Labcorp); PubMed 24136930 (cited by Labcorp Genetics (formerly Invitae), Labcorp); PubMed 25099575 (cited by Labcorp Genetics (formerly Invitae), Labcorp).